The following is an entry in ClinVar:

NM_198578.4(LRRK2):c.2714A>T (p.Lys905Ile)

Gene: LRRK2 (leucine rich repeat kinase 2; plus strand). Cytogenetic location: 12q12.
Variant type: single nucleotide variant.
Coding change: c.2714A>T on transcript NM_198578.4 (MANE Select); coding-DNA position 2714, A replaced by T.
Protein change: p.Lys905Ile; replaces lysine 905 with isoleucine.
Molecular consequence: missense variant.
Genome position (GRCh38, 1-based): chr12:40,293,569, A>T. VCF-style: chr12-40293569-A-T. GRCh37 (hg19) VCF-style: chr12-40687371-A-T.
Other names: c.2714A>T (NM_198578.3); short protein forms K905I.
Identifiers: ClinVar variation 1472718 (VCV001472718.6), dbSNP rs140851697, ClinGen allele CA6513727.

ClinVar aggregate classification (germline): Uncertain significance. Review status: criteria provided, multiple submitters, no conflicts (2 of 4 stars). 2 submissions from 2 submitters: Uncertain significance (2). Last evaluated 2025-06-03.

Conditions:
Autosomal dominant Parkinson disease 8. Also called: LRRK2-Related Parkinson Disease; Parkinson disease 8; Parkinson disease 8, susceptibility to. Identifiers: Orphanet 411602, MedGen C1846862, MONDO:0011764, OMIM 607060.
Inborn genetic diseases. Identifiers: MedGen C0950123, MeSH D030342.

Allele frequency attached by ClinVar (database versions not stated): gnomAD exomes 0.00003 and 0.00002; gnomAD 0.00005; ESP Exome Variant Server 0.00015; ExAC 0.00002.
gnomAD v4.1: 54 of 1,609,372 alleles (0.0034%); highest among the groups gnomAD compares: Admixed American, 0.01%; no homozygotes.

Submissions (2):

Ambry Genetics
Classification: Uncertain significance for Inborn genetic diseases. Last evaluated: 2025-06-03. Review status: criteria provided, single submitter. Criteria: Ambry Variant Classification Scheme 2023. Collection method: clinical testing. Allele origin: germline.

Labcorp Genetics (formerly Invitae), Labcorp
Classification: Uncertain significance for Autosomal dominant Parkinson disease 8. Last evaluated: 2021-12-17. Review status: criteria provided, single submitter. Criteria: Invitae Variant Classification Sherloc (09022015). Collection method: clinical testing. Allele origin: germline.
Comment: This variant has not been reported in the literature in individuals affected with LRRK2-related conditions. In summary, the available evidence is currently insufficient to determine the role of this variant in disease. Therefore, it has been classified as a Variant of Uncertain Significance. Algorithms developed to predict the effect of missense changes on protein structure and function are either unavailable or do not agree on the potential impact of this missense change (SIFT: "Deleterious"; PolyPhen-2: "Benign"; Align-GVGD: "Class C0"). This variant is present in population databases (rs140851697, gnomAD 0.003%). This sequence change replaces lysine, which is basic and polar, with isoleucine, which is neutral and non-polar, at codon 905 of the LRRK2 protein (p.Lys905Ile).